The following is an entry in ClinVar:

ClinVar aggregate classification (germline): Likely pathogenic (1 of 4 stars; one submission).

Conditions:
Progressive muscular dystrophy. Identifiers: Orphanet 206644, MedGen C4551827, MONDO:0016106.

Submission:

Myriad Genetics, Inc.
Classification: Likely pathogenic for Progressive muscular dystrophy. Last evaluated: 2022-02-02. Review status: criteria provided, single submitter. Criteria: Myriad Autosomal Dominant, Autosomal Recessive and X-Linked Classification Criteria (2023). Collection method: clinical testing. Allele origin: unknown.
Comment: NM_004006.2(DMD):c.1346T>A(L449*) is expected to be pathogenic in the context of dystrophinopathy (including Duchenne/Becker muscular dystrophy). This variant is predicted to lead to an abnormal or absent protein product due to the creation of a premature termination codon in DMD, a gene where loss-of-function variants are known to be pathogenic. Please note: this variant was assessed in the context of healthy population screening.

NM_004006.3(DMD):c.1346T>A (p.Leu449Ter)

Gene: DMD (dystrophin; minus strand). Cytogenetic location: Xp21.1.
Variant type: single nucleotide variant.
Coding change: c.1346T>A on transcript NM_004006.3 (MANE Select); coding-DNA position 1346, T replaced by A.
Protein change: p.Leu449Ter; replaces leucine 449 with a stop codon.
Molecular consequence: nonsense.
Genome position (GRCh38, 1-based): chrX:32,614,439, A>T on the plus strand (T>A on the coding strand, the complement: DMD is on the minus strand). VCF-style: chrX-32614439-A-T. GRCh37 (hg19) VCF-style: chrX-32632556-A-T.
Other names: c.1322T>A, p.Leu441Ter (NM_000109.4); c.1334T>A, p.Leu445Ter (NM_004009.3); c.977T>A, p.Leu326Ter (NM_004010.3); short protein forms L326*, L441*, L445*, L449*.
Identifiers: ClinVar variation 1724244 (VCV001724244.3), dbSNP rs2519183618, ClinGen allele CA412670475.